The following is an entry in ClinVar:

NM_001378030.1(CCDC78):c.1311C>T (p.His437=)

Gene: CCDC78 (coiled-coil domain containing 78; minus strand). Cytogenetic location: 16p13.3.
Variant type: single nucleotide variant.
Coding change: c.1311C>T on transcript NM_001378030.1 (MANE Select); coding-DNA position 1311, C replaced by T.
Protein change: p.His437=; no amino-acid change (histidine 437 retained).
Molecular consequence: synonymous variant. On other transcripts: missense variant (1), non-coding transcript variant (5).
Genome position (GRCh38, 1-based): chr16:722,780, G>A on the plus strand (C>T on the coding strand, the complement: CCDC78 is on the minus strand). VCF-style: chr16-722780-G-A. GRCh37 (hg19) VCF-style: chr16-772780-G-A.
Other names: c.1307C>T, p.Thr436Met (NM_001031737.3); c.1131C>T, p.His377= (NM_001378031.1); c.744C>T, p.His248= (NM_001378033.1); short protein forms T436M.
Identifiers: ClinVar variation 540472 (VCV000540472.8), dbSNP rs775569629, ClinGen allele CA394097095.
Genomic context (GRCh38, chr16:722,780, plus strand): 5'-CACAGCCCCCACTTTCCAGGGGTCCCCTGCACCTGCCAGCTTCCTCAGCCTCAGGATTTC[G>A]TGCTTGTACCTGCTCAGAGGAACCATGCTTAAGTGACTTGCCCAGCTGTGGACAGGTCTG-3'
Protein context (NP_001364959.1, residues 427-447): YVDQHLGRYK[His437=]EILRLRKLAG

ClinVar aggregate classification (germline): Uncertain significance (1 of 4 stars; one submission).

Conditions:
Congenital myopathy with internal nuclei and atypical cores. Also called: Myopathy, centronuclear, 4. Identifiers: Orphanet 319160, MedGen C4707232, MONDO:0013890, OMIM 614807.

gnomAD v4.1: 5 of 1,612,594 alleles (0.00031%); highest among the groups gnomAD compares: African/African-American, 0.0013%; no homozygotes.

Submission:

Labcorp Genetics (formerly Invitae), Labcorp
Classification: Uncertain significance for Congenital myopathy with internal nuclei and atypical cores. Last evaluated: 2024-01-02. Review status: criteria provided, single submitter. Criteria: Invitae Variant Classification Sherloc (09022015). Collection method: clinical testing. Allele origin: germline.
Comment: This sequence change replaces threonine, which is neutral and polar, with methionine, which is neutral and non-polar, at codon 436 of the CCDC78 protein (p.Thr436Met). This variant is present in population databases (no rsID available, gnomAD 0.003%). This variant has not been reported in the literature in individuals affected with CCDC78-related conditions. ClinVar contains an entry for this variant (Variation ID: 540472). Experimental studies and prediction algorithms are not available or were not evaluated, and the functional significance of this variant is currently unknown. In summary, the available evidence is currently insufficient to determine the role of this variant in disease. Therefore, it has been classified as a Variant of Uncertain Significance.